The following is an entry in ClinVar:

NM_001042492.3(NF1):c.8207A>T (p.Asp2736Val)

Gene: NF1 (neurofibromin 1; plus strand). Cytogenetic location: 17q11.2.
Variant type: single nucleotide variant.
Coding change: c.8207A>T on transcript NM_001042492.3 (MANE Select); coding-DNA position 8207, A replaced by T.
Protein change: p.Asp2736Val; replaces aspartic acid 2736 with valine.
Molecular consequence: missense variant.
Genome position (GRCh38, 1-based): chr17:31,360,533, A>T. VCF-style: chr17-31360533-A-T. GRCh37 (hg19) VCF-style: chr17-29687551-A-T.
Other names: c.8144A>T, p.Asp2715Val (NM_000267.4); short protein forms D2715V, D2736V.
Identifiers: ClinVar variation 4119135 (VCV004119135.1).
Genomic context (GRCh38, chr17:31,360,533, plus strand): 5'-ATTTTCCATTACAGCAAACACAAATTCCAGACTATGCTGAGCTTATTGTTAAGTTTCTTG[A>T]TGCCTTGATTGACACGTACCTGCCTGGAATTGATGAAGAAACCAGTGAAGAATCCCTCCT-3'
Protein context (NP_001035957.1, residues 2726-2746): DYAELIVKFL[Asp2736Val]ALIDTYLPGI

ClinVar aggregate classification (germline): Uncertain significance (1 of 4 stars; one submission).

Conditions:
Cardiovascular phenotype. Identifiers: MedGen CN230736.
Hereditary cancer-predisposing syndrome. Also called: Hereditary neoplastic syndrome; Neoplastic Syndromes, Hereditary; Tumor predisposition; Hereditary Cancer Syndrome. Identifiers: Orphanet 140162, MedGen C0027672, MeSH D009386, MONDO:0015356.

Submission:

Ambry Genetics
Classification: Uncertain significance for Cardiovascular phenotype; Hereditary cancer-predisposing syndrome. Last evaluated: 2025-08-08. Review status: criteria provided, single submitter. Criteria: Ambry Variant Classification Scheme 2023. Collection method: clinical testing. Allele origin: germline.
Comment: The p.D2715V variant (also known as c.8144A>T), located in coding exon 56 of the NF1 gene, results from an A to T substitution at nucleotide position 8144. The aspartic acid at codon 2715 is replaced by valine, an amino acid with highly dissimilar properties. This amino acid position is conserved. In addition, this alteration is predicted to be tolerated by in silico analysis. Based on the available evidence, the clinical significance of this variant remains unclear.